The following is an entry in ClinVar:

NM_004958.4(MTOR):c.2459T>G (p.Leu820Arg)

Gene: MTOR (mechanistic target of rapamycin kinase; minus strand). Cytogenetic location: 1p36.22.
Variant type: single nucleotide variant.
Coding change: c.2459T>G on transcript NM_004958.4 (MANE Select); coding-DNA position 2459, T replaced by G.
Protein change: p.Leu820Arg; replaces leucine 820 with arginine.
Molecular consequence: missense variant.
Genome position (GRCh38, 1-based): chr1:11,232,491, A>C on the plus strand (T>G on the coding strand, the complement: MTOR is on the minus strand). VCF-style: chr1-11232491-A-C. GRCh37 (hg19) VCF-style: chr1-11292548-A-C.
Other names: c.2459T>G, p.Leu820Arg (NM_001386500.1); c.1211T>G, p.Leu404Arg (NM_001386501.1); short protein forms L404R, L820R.
Identifiers: ClinVar variation 3384273 (VCV003384273.1).

ClinVar aggregate classification (germline): Uncertain significance (1 of 4 stars; one submission).

Submission:

GeneDx
Classification: Uncertain significance. Last evaluated: 2024-06-05. Review status: criteria provided, single submitter. Criteria: GeneDx Variant Classification Process June 2021. Collection method: clinical testing. Allele origin: germline. Affected: yes.
Comment: Not observed at significant frequency in large population cohorts (gnomAD); In silico analysis supports that this missense variant has a deleterious effect on protein structure/function; Has not been previously published as pathogenic or benign to our knowledge